The following is an entry in ClinVar:

NM_003742.4(ABCB11):c.3260A>G (p.Tyr1087Cys)

Gene: ABCB11 (ATP binding cassette subfamily B member 11; minus strand). Cytogenetic location: 2q31.1.
Variant type: single nucleotide variant.
Coding change: c.3260A>G on transcript NM_003742.4 (MANE Select); coding-DNA position 3260, A replaced by G.
Protein change: p.Tyr1087Cys; replaces tyrosine 1087 with cysteine.
Molecular consequence: missense variant.
Genome position (GRCh38, 1-based): chr2:168,930,816, T>C on the plus strand (A>G on the coding strand, the complement: ABCB11 is on the minus strand). VCF-style: chr2-168930816-T-C. GRCh37 (hg19) VCF-style: chr2-169787326-T-C.
Other names: short protein forms Y1087C.
Identifiers: ClinVar variation 4846222 (VCV004846222.1).

ClinVar aggregate classification (germline): Uncertain significance (1 of 4 stars; one submission).

Conditions:
Familial intrahepatic cholestasis. Identifiers: Orphanet 284385, MedGen CN296401, MONDO:0017290.

Submission:

Genomenon, Inc
Classification: Uncertain significance for Familial intrahepatic cholestasis. Last evaluated: 2026-04-14. Review status: criteria provided, single submitter. Criteria: Genomenon Sequence Variant Interpretation Standards - Updated. Collection method: curation. Allele origin: germline. Affected: yes.
Comment: ABCB11 p.Tyr1087Cys (c.3260A>G) is a missense variant that changes the amino acid at residue 1087 from Tyrosine to Cysteine. This variant has been observed in at least one proband with an ABCB11-related disorder (PMID:29316097). It has been observed in trans with a pathogenic or likely pathogenic variant (PMID:29316097). It is absent or not present at a significant frequency in gnomAD. In silico models predict that this variant is possibly or probably damaging. In conclusion, we classify ABCB11 p.Tyr1087Cys (c.3260A>G) as a variant of uncertain significance.

Literature cited by the submitters: PubMed 29316097.